The following is an entry in ClinVar:

NM_015192.4(PLCB1):c.902G>C (p.Gly301Ala)

Gene: PLCB1 (phospholipase C beta 1; plus strand). Cytogenetic location: 20p12.3.
Variant type: single nucleotide variant.
Coding change: c.902G>C on transcript NM_015192.4 (MANE Select); coding-DNA position 902, G replaced by C.
Protein change: p.Gly301Ala; replaces glycine 301 with alanine.
Molecular consequence: missense variant.
Genome position (GRCh38, 1-based): chr20:8,684,971, G>C. VCF-style: chr20-8684971-G-C. GRCh37 (hg19) VCF-style: chr20-8665618-G-C.
Other names: c.902G>C, p.Gly301Ala (NM_182734.3); short protein forms G301A.
Identifiers: ClinVar variation 1418092 (VCV001418092.6), dbSNP rs2123399482, ClinGen allele CA408193991.

ClinVar aggregate classification (germline): Uncertain significance (1 of 4 stars; one submission).

Conditions:
Developmental and epileptic encephalopathy, 12 (DEE12). Identifiers: MedGen C3150988, MONDO:0013389, OMIM 613722.

Submission:

Labcorp Genetics (formerly Invitae), Labcorp
Classification: Uncertain significance for Developmental and epileptic encephalopathy, 12. Last evaluated: 2022-07-19. Review status: criteria provided, single submitter. Criteria: Invitae Variant Classification Sherloc (09022015). Collection method: clinical testing. Allele origin: germline.
Comment: This variant is not present in population databases (gnomAD no frequency). In summary, the available evidence is currently insufficient to determine the role of this variant in disease. Therefore, it has been classified as a Variant of Uncertain Significance. Algorithms developed to predict the effect of missense changes on protein structure and function (SIFT, PolyPhen-2, Align-GVGD) all suggest that this variant is likely to be tolerated. ClinVar contains an entry for this variant (Variation ID: 1418092). This variant has not been reported in the literature in individuals affected with PLCB1-related conditions. This sequence change replaces glycine, which is neutral and non-polar, with alanine, which is neutral and non-polar, at codon 301 of the PLCB1 protein (p.Gly301Ala).